The following is an entry in ClinVar:

NM_022336.4(EDAR):c.1094A>G (p.Asn365Ser)

Genes: EDAR (ectodysplasin A receptor; minus strand), RANBP2 (RAN binding protein 2; plus strand). Cytogenetic location: 2q13.
Variant type: single nucleotide variant.
Coding change: c.1094A>G on transcript NM_022336.4 (MANE Select); coding-DNA position 1094, A replaced by G.
Protein change: p.Asn365Ser; replaces asparagine 365 with serine.
Molecular consequence: missense variant.
Genome position (GRCh38, 1-based): chr2:108,897,160, T>C on the plus strand (A>G on the coding strand, the complement: EDAR is on the minus strand). VCF-style: chr2-108897160-T-C. GRCh37 (hg19) VCF-style: chr2-109513616-T-C.
Other names: short protein forms N365S.
Identifiers: ClinVar variation 1349613 (VCV001349613.8), dbSNP rs1696614928, ClinGen allele CA348048262.
Genomic context (GRCh38, chr2:108,897,160, plus strand): 5'-CTCTTCAGGCCGAAGCTCTCGGCGAGGTGGCGCCACGTTTTCACAACAGCCTTCTCAGAG[T>C]TGTACGTGGAGCTGAGCATTCGGCTAGTCTTCTCGAGGCAATCAAATGGCAGCTCCGTGG-3'
Protein context (NP_071731.1, residues 355-375): KTSRMLSSTY[Asn365Ser]SEKAVVKTWR

ClinVar aggregate classification (germline): Uncertain significance (1 of 4 stars; one submission).

Conditions:
Autosomal recessive hypohidrotic ectodermal dysplasia syndrome. Also called: Autosomal recessive hypohidrotic ectodermal dysplasia. Identifiers: Orphanet 248, MedGen C0406702, MONDO:0016619.
Ectodermal dysplasia 10A, hypohidrotic/hair/nail type, autosomal dominant (ECTD10A). Also called: Ectodermal Dysplasia 3, Anhidrotic. Identifiers: Orphanet 1810, Orphanet 238468, MedGen C3888065, MONDO:0007509, OMIM 129490.

Allele frequency attached by ClinVar (database versions not stated): TOPMed 0.00001.

Submission:

Labcorp Genetics (formerly Invitae), Labcorp
Classification: Uncertain significance for Ectodermal dysplasia 10A, hypohidrotic/hair/nail type, autosomal dominant; Autosomal recessive hypohidrotic ectodermal dysplasia syndrome. Last evaluated: 2020-11-20. Review status: criteria provided, single submitter. Criteria: Invitae Variant Classification Sherloc (09022015). Collection method: clinical testing. Allele origin: germline.
Comment: In summary, the available evidence is currently insufficient to determine the role of this variant in disease. Therefore, it has been classified as a Variant of Uncertain Significance. Algorithms developed to predict the effect of sequence changes on RNA splicing suggest that this variant may create or strengthen a splice site, but this prediction has not been confirmed by published transcriptional studies. Advanced modeling of protein sequence and biophysical properties (such as structural, functional, and spatial information, amino acid conservation, physicochemical variation, residue mobility, and thermodynamic stability) performed at Invitae indicates that this missense variant is not expected to disrupt EDAR protein function. This variant has not been reported in the literature in individuals with EDAR-related conditions. This variant is not present in population databases (ExAC no frequency). This sequence change replaces asparagine with serine at codon 365 of the EDAR protein (p.Asn365Ser). The asparagine residue is highly conserved and there is a small physicochemical difference between asparagine and serine.